The following is an entry in ClinVar:

ClinVar aggregate classification (germline): Uncertain significance (1 of 4 stars; one submission).

Submission:

Ambry Genetics
Classification: Uncertain significance. Last evaluated: 2025-10-23. Review status: criteria provided, single submitter. Criteria: Ambry Variant Classification Scheme 2023. Collection method: clinical testing. Allele origin: germline.
Comment: The p.S325P variant (also known as c.973T>C), located in coding exon 5 of the GFI1 gene, results from a T to C substitution at nucleotide position 973. The serine at codon 325 is replaced by proline, an amino acid with similar properties. This amino acid position is conserved. In addition, the in silico prediction for this alteration is inconclusive. Based on the available evidence, the clinical significance of this variant remains unclear.

NM_005263.5(GFI1):c.973T>C (p.Ser325Pro)

Gene: GFI1 (growth factor independent 1 transcriptional repressor; minus strand). Cytogenetic location: 1p22.1.
Variant type: single nucleotide variant.
Coding change: c.973T>C on transcript NM_005263.5 (MANE Select); coding-DNA position 973, T replaced by C.
Protein change: p.Ser325Pro; replaces serine 325 with proline.
Molecular consequence: missense variant.
Genome position (GRCh38, 1-based): chr1:92,478,705, A>G on the plus strand (T>C on the coding strand, the complement: GFI1 is on the minus strand). VCF-style: chr1-92478705-A-G. GRCh37 (hg19) VCF-style: chr1-92944262-A-G.
Other names: c.973T>C, p.Ser325Pro (NM_001127215.3, NM_001127216.3); short protein forms S325P.
Identifiers: ClinVar variation 4671580 (VCV004671580.1).
Genomic context (GRCh38, chr1:92,478,705, plus strand): 5'-AGTACTGACAGGGGTAGGGCCGAGTGTCTGAGTGGATAAGCAGGTGTGTGGACAGTGTGG[A>G]TGACCTCTTGAAGCTCTTCCCACAGATCTTACAGTCAAAGCTCCGTTCCTGCAGAGAGAG-3'
Protein context (NP_005254.2, residues 315-335): KICGKSFKRS[Ser325Pro]TLSTHLLIHS